The following is an entry in ClinVar:

ClinVar aggregate classification (germline): Uncertain significance (1 of 4 stars; one submission).

Conditions:
Cardiovascular phenotype. Identifiers: MedGen CN230736.

Submission:

Ambry Genetics
Classification: Uncertain significance for Cardiovascular phenotype. Last evaluated: 2026-06-15. Review status: criteria provided, single submitter. Criteria: Ambry Variant Classification Scheme 2023. Collection method: clinical testing. Allele origin: germline.
Comment: The p.V75I variant (also known as c.223G>A), located in coding exon 1 of the GDF2 gene, results from a G to A substitution at nucleotide position 223. The valine at codon 75 is replaced by isoleucine, an amino acid with highly similar properties. This amino acid position is conserved. Based on the available evidence, the clinical significance of this variant remains unclear.

NM_016204.4(GDF2):c.223G>A (p.Val75Ile)

Gene: GDF2 (growth differentiation factor 2; plus strand). Cytogenetic location: 10q11.22.
Variant type: single nucleotide variant.
Coding change: c.223G>A on transcript NM_016204.4 (MANE Select); coding-DNA position 223, G replaced by A.
Protein change: p.Val75Ile; replaces valine 75 with isoleucine.
Molecular consequence: missense variant.
Genome position (GRCh38, 1-based): chr10:47,322,891, G>A. VCF-style: chr10-47322891-G-A. GRCh37 (hg19) VCF-style: chr10-48416471-C-T.
Other names: short protein forms V75I.
Identifiers: ClinVar variation 5022264 (VCV005022264.1).